The following is an entry in ClinVar:

NM_000444.6(PHEX):c.437-1G>C

Gene: PHEX (phosphate regulating endopeptidase X-linked; plus strand). Cytogenetic location: Xp22.11.
Variant type: single nucleotide variant.
Coding change: c.437-1G>C on transcript NM_000444.6 (MANE Select); the canonical splice acceptor site of the intron before coding-DNA position 437, G replaced by C.
Molecular consequence: splice acceptor variant.
Genome position (GRCh38, 1-based): chrX:22,077,475, G>C. VCF-style: chrX-22077475-G-C. GRCh37 (hg19) VCF-style: chrX-22095593-G-C.
Other names: c.437-1G>C (NM_001282754.2).
Identifiers: ClinVar variation 1068306 (VCV001068306.11), dbSNP rs2147020339, ClinGen allele CA412571222.

ClinVar aggregate classification (germline): Pathogenic (1 of 4 stars; one submission).

Submission:

Labcorp Genetics (formerly Invitae), Labcorp
Classification: Pathogenic. Last evaluated: 2022-10-28. Review status: criteria provided, single submitter. Criteria: Invitae Variant Classification Sherloc (09022015). Collection method: clinical testing. Allele origin: germline.
Comment: For these reasons, this variant has been classified as Pathogenic. Algorithms developed to predict the effect of sequence changes on RNA splicing suggest that this variant may disrupt the consensus splice site. ClinVar contains an entry for this variant (Variation ID: 1068306). Disruption of this splice site has been observed in individuals with hypophosphatemic rickets (Invitae). This variant is not present in population databases (gnomAD no frequency). This sequence change affects an acceptor splice site in intron 4 of the PHEX gene. It is expected to disrupt RNA splicing. Variants that disrupt the donor or acceptor splice site typically lead to a loss of protein function (PMID: 16199547), and loss-of-function variants in PHEX are known to be pathogenic (PMID: 9097956, 9106524, 19219621).

Literature cited by the submitters: PubMed 16199547; PubMed 9097956; PubMed 9106524; PubMed 19219621.